The following is an entry in ClinVar:

ClinVar aggregate classification (germline): Pathogenic (1 of 4 stars; one submission).

Submission:

Labcorp Genetics (formerly Invitae), Labcorp
Classification: Pathogenic. Last evaluated: 2024-07-24. Review status: criteria provided, single submitter. Criteria: Invitae Variant Classification Sherloc (09022015). Collection method: clinical testing. Allele origin: germline.
Comment: This sequence change creates a premature translational stop signal (p.Lys733Glufs*58) in the POLE gene. It is expected to result in an absent or disrupted protein product. Loss-of-function variants in POLE are known to be pathogenic (PMID: 23230001, 25948378, 30503519). This variant is not present in population databases (gnomAD no frequency). This variant has not been reported in the literature in individuals affected with POLE-related conditions. ClinVar contains an entry for this variant (Variation ID: 2001789). For these reasons, this variant has been classified as Pathogenic.

Literature cited by the submitters: PubMed 23230001; PubMed 25948378; PubMed 30503519.

NM_006231.4(POLE):c.2195dup (p.Lys733fs)

Gene: POLE (DNA polymerase epsilon, catalytic subunit; minus strand). Cytogenetic location: 12q24.33.
Variant type: Duplication.
Coding change: c.2195dup on transcript NM_006231.4 (MANE Select); coding-DNA position 2195, one base duplicated (A; older notation c.2195dupA).
Protein change: p.Lys733fs; shifts the reading frame from lysine 733.
Molecular consequence: frameshift variant.
Genome position (GRCh38, 1-based): chr12:132,667,627, T duplicated on the plus strand (A on the coding strand, the reverse complement: POLE is on the minus strand); the first of 2 consecutive T bases (chr12:132,667,627-132,667,628); duplicating either gives the same sequence. VCF-style (leftmost placement, unchanged base first): chr12-132667626-C-CT. GRCh37 (hg19) VCF-style: chr12-133244212-C-CT.
Other names: short protein forms K733fs.
Identifiers: ClinVar variation 2001789 (VCV002001789.4), dbSNP rs2542090484, ClinGen allele CA2580086055.